The following is an entry in ClinVar:

ClinVar aggregate classification (germline): Conflicting classifications of pathogenicity. Review status: criteria provided, conflicting classifications (1 of 4 stars). 6 submissions from 6 submitters: Uncertain significance (4); Likely benign (2). Last evaluated 2026-07-10.

Conditions:
Hereditary cancer-predisposing syndrome. Also called: Tumor predisposition; Neoplastic Syndromes, Hereditary; Hereditary Cancer Syndrome; Hereditary neoplastic syndrome. Identifiers: Orphanet 140162, MedGen C0027672, MeSH D009386, MONDO:0015356.
DICER1-related tumor predisposition. Also called: DICER1-related pleuropulmonary blastoma cancer predisposition syndrome; DICER1 syndrome. Identifiers: Orphanet 284343, MedGen C3839822, MONDO:0100216.
Pleuropulmonary blastoma (PPB). Identifiers: Orphanet 64742, MedGen C1266144, MONDO:0011014, OMIM 601200, HP:0100528.

Allele frequency attached by ClinVar (database versions not stated): gnomAD 0.00001; ESP Exome Variant Server 0.00008; TOPMed 0.00003.
gnomAD v4.1: 19 of 1,613,424 alleles (0.0012%); highest among the groups gnomAD compares: Non-Finnish European, 0.0015%; no homozygotes.

Submissions (6):

Ambry Genetics
Classification: Likely benign for Hereditary cancer-predisposing syndrome. Last evaluated: 2026-07-10. Review status: criteria provided, single submitter. Criteria: Ambry Variant Classification Scheme 2023. Collection method: clinical testing. Allele origin: germline.

Labcorp Genetics (formerly Invitae), Labcorp
Classification: Likely benign for DICER1-related tumor predisposition. Last evaluated: 2026-01-26. Review status: criteria provided, single submitter. Criteria: Invitae Variant Classification Sherloc (09022015). Collection method: clinical testing. Allele origin: germline.

St. Jude Molecular Pathology, St. Jude Children's Research Hospital
Classification: Uncertain significance for Pleuropulmonary blastoma. Last evaluated: 2024-12-22. Review status: criteria provided, single submitter. Criteria: St. Jude Assertion Criteria 2020. Collection method: clinical testing. Allele origin: germline.
Comment: The DICER1 c.2752A>T (p.Thr918Ser) missense change has a maximum subpopulation frequency of 0.005% in gnomAD v2.1.1. The in silico tool REVEL predicts a benign effect on protein function and no splicing effects are predicted, but to our knowledge these predictions have not been confirmed by functional studies. To our knowledge, this variant has not been reported in individuals with DICER1 syndrome. In summary, the evidence currently available is insufficient to determine the clinical significance of this variant. It has therefore been classified as of uncertain significance.

Quest Diagnostics Nichols Institute San Juan Capistrano
Classification: Uncertain significance. Last evaluated: 2024-12-03. Review status: criteria provided, single submitter. Criteria: Quest Diagnostics criteria. Collection method: clinical testing. Allele origin: unknown.

GeneDx
Classification: Uncertain significance. Last evaluated: 2022-12-19. Review status: criteria provided, single submitter. Criteria: GeneDx Variant Classification Process June 2021. Collection method: clinical testing. Allele origin: germline. Affected: yes.
Comment: In silico analysis supports that this missense variant does not alter protein structure/function; Has not been previously published as pathogenic or benign to our knowledge

Sema4
Classification: Uncertain significance for Hereditary cancer-predisposing syndrome. Last evaluated: 2021-11-06. Review status: criteria provided, single submitter. Criteria: Sema4 Curation Guidelines. Collection method: curation. Allele origin: germline.
Comment: The DICER1 c.2752A>T (p.T918S) variant has not been reported in the literature to our knowledge. It was observed in 6/113640 chromosomes of the Non-Finnish European subpopulation in the large and broad cohorts of the Genome Aggregation Database (PMID: 32461654). The variant has been reported in ClinVar (Variation ID: 242071). In silico tools suggest the impact of the variant on protein function is benign, though these predictions have not been confirmed by functional studies. The evidence is insufficient to meet ACMG/AMP criteria for classifying the variant as benign or pathogenic. Thus, the clinical significance of this variant is currently uncertain.

NM_177438.3(DICER1):c.2752A>T (p.Thr918Ser)

Gene: DICER1 (dicer 1, ribonuclease III; minus strand). Cytogenetic location: 14q32.13.
Variant type: single nucleotide variant.
Coding change: c.2752A>T on transcript NM_177438.3 (MANE Select); coding-DNA position 2752, A replaced by T.
Protein change: p.Thr918Ser; replaces threonine 918 with serine.
Molecular consequence: missense variant.
Genome position (GRCh38, 1-based): chr14:95,107,660, T>A on the plus strand (A>T on the coding strand, the complement: DICER1 is on the minus strand). VCF-style: chr14-95107660-T-A. GRCh37 (hg19) VCF-style: chr14-95573997-T-A.
Other names: c.2752A>T, p.Thr918Ser (NM_001195573.1, NM_001271282.3, NM_001291628.2 and 1 more transcripts); short protein forms T918S.
Identifiers: ClinVar variation 242071 (VCV000242071.21), dbSNP rs377326167, ClinGen allele CA7331184.